The following is an entry in ClinVar:

ClinVar aggregate classification (germline): Uncertain significance. Review status: criteria provided, multiple submitters, no conflicts (2 of 4 stars). 2 submissions from 2 submitters: Uncertain significance (2). Last evaluated 2023-12-13.

Conditions:
Cataract 18 (CATC2). Also called: CATARACT 18, AUTOSOMAL RECESSIVE. Identifiers: Orphanet 91492, Orphanet 98991, Orphanet 98992, Orphanet 98995, MedGen C1864908, MONDO:0012395, OMIM 610019.
Inborn genetic diseases. Identifiers: MedGen C0950123, MeSH D030342.

Allele frequency attached by ClinVar (database versions not stated): gnomAD 0.00001; gnomAD exomes 0.00001; ExAC 0.00002; TOPMed 0.00002.
gnomAD v4.1: 10 of 1,610,470 alleles (0.00062%); highest among the groups gnomAD compares: Admixed American, 0.017%; no homozygotes.

Submissions (2):

Labcorp Genetics (formerly Invitae), Labcorp
Classification: Uncertain significance for Cataract 18. Last evaluated: 2023-12-13. Review status: criteria provided, single submitter. Criteria: Invitae Variant Classification Sherloc (09022015). Collection method: clinical testing. Allele origin: germline.
Comment: This sequence change replaces glutamine, which is neutral and polar, with arginine, which is basic and polar, at codon 955 of the FYCO1 protein (p.Gln955Arg). This variant is present in population databases (rs777484869, gnomAD 0.02%). This variant has not been reported in the literature in individuals affected with FYCO1-related conditions. ClinVar contains an entry for this variant (Variation ID: 2401349). Advanced modeling of protein sequence and biophysical properties (such as structural, functional, and spatial information, amino acid conservation, physicochemical variation, residue mobility, and thermodynamic stability) performed at Invitae indicates that this missense variant is not expected to disrupt FYCO1 protein function with a negative predictive value of 80%. In summary, the available evidence is currently insufficient to determine the role of this variant in disease. Therefore, it has been classified as a Variant of Uncertain Significance.

Ambry Genetics
Classification: Uncertain significance for Inborn genetic diseases. Last evaluated: 2022-05-18. Review status: criteria provided, single submitter. Criteria: Ambry Variant Classification Scheme 2023. Collection method: clinical testing. Allele origin: germline.

NM_024513.4(FYCO1):c.2864A>G (p.Gln955Arg)

Gene: FYCO1 (FYVE and coiled-coil domain autophagy adaptor 1; minus strand). Cytogenetic location: 3p21.31.
Variant type: single nucleotide variant.
Coding change: c.2864A>G on transcript NM_024513.4 (MANE Select); coding-DNA position 2864, A replaced by G.
Protein change: p.Gln955Arg; replaces glutamine 955 with arginine.
Molecular consequence: missense variant. On other transcripts: non-coding transcript variant (1).
Genome position (GRCh38, 1-based): chr3:45,966,470, T>C on the plus strand (A>G on the coding strand, the complement: FYCO1 is on the minus strand). VCF-style: chr3-45966470-T-C. GRCh37 (hg19) VCF-style: chr3-46007962-T-C.
Other names: c.2864A>G, p.Gln955Arg (NM_001386421.1, NM_001386422.1, NM_001386423.1 and 4 more transcripts); c.2744A>G, p.Gln915Arg (NM_001386426.1); c.2720A>G, p.Gln907Arg (NM_001386427.1); c.2264A>G, p.Gln755Arg (NM_001386430.1); short protein forms Q755R, Q955R, Q907R, Q915R.
Identifiers: ClinVar variation 2401349 (VCV002401349.5), dbSNP rs777484869, ClinGen allele CA2352948.